The following is an entry in ClinVar:

ClinVar aggregate classification (germline): Uncertain significance. Review status: criteria provided, multiple submitters, no conflicts (2 of 4 stars). 2 submissions from 2 submitters: Uncertain significance (2). Last evaluated 2026-07-02.

Conditions:
Hereditary cancer-predisposing syndrome. Also called: Tumor predisposition; Hereditary neoplastic syndrome; Neoplastic Syndromes, Hereditary; Hereditary Cancer Syndrome. Identifiers: Orphanet 140162, MedGen C0027672, MeSH D009386, MONDO:0015356.

Allele frequency attached by ClinVar (database versions not stated): gnomAD exomes below 0.00001.
gnomAD v4.1: 1 of 1,582,988 alleles (0.000063%); highest among the groups gnomAD compares: Non-Finnish European, 0.000087%; no homozygotes.

Submissions (2):

Ambry Genetics
Classification: Uncertain significance for Hereditary cancer-predisposing syndrome. Last evaluated: 2026-07-02. Review status: criteria provided, single submitter. Criteria: Ambry Variant Classification Scheme 2023. Collection method: clinical testing. Allele origin: germline.
Comment: The p.Q527H variant (also known as c.1581G>T), located in coding exon 11 of the MSH3 gene, results from a G to T substitution at nucleotide position 1581. The glutamine at codon 527 is replaced by histidine, an amino acid with highly similar properties. This amino acid position is conserved. In addition, the in silico prediction for this alteration is inconclusive. Based on the available evidence, the clinical significance of this variant remains unclear.

Labcorp Genetics (formerly Invitae), Labcorp
Classification: Uncertain significance. Last evaluated: 2021-09-29. Review status: criteria provided, single submitter. Criteria: Invitae Variant Classification Sherloc (09022015). Collection method: clinical testing. Allele origin: germline.
Comment: In summary, the available evidence is currently insufficient to determine the role of this variant in disease. Therefore, it has been classified as a Variant of Uncertain Significance. Algorithms developed to predict the effect of missense changes on protein structure and function (SIFT, PolyPhen-2, Align-GVGD) all suggest that this variant is likely to be tolerated. This variant has not been reported in the literature in individuals affected with MSH3-related conditions. This variant is not present in population databases (ExAC no frequency). This sequence change replaces glutamine with histidine at codon 527 of the MSH3 protein (p.Gln527His). The glutamine residue is moderately conserved and there is a small physicochemical difference between glutamine and histidine.

NM_002439.5(MSH3):c.1581G>T (p.Gln527His)

Gene: MSH3 (mutS homolog 3; plus strand). Cytogenetic location: 5q14.1.
Variant type: single nucleotide variant.
Coding change: c.1581G>T on transcript NM_002439.5 (MANE Select); coding-DNA position 1581, G replaced by T.
Protein change: p.Gln527His; replaces glutamine 527 with histidine.
Molecular consequence: missense variant.
Genome position (GRCh38, 1-based): chr5:80,741,476, G>T. VCF-style: chr5-80741476-G-T. GRCh37 (hg19) VCF-style: chr5-80037295-G-T.
Other names: c.1581G>T (NM_002439.3); short protein forms Q527H.
Identifiers: ClinVar variation 847516 (VCV000847516.8), dbSNP rs1561462368, ClinGen allele CA360274439.